The following is an entry in ClinVar:

NM_018063.5(HELLS):c.913A>G (p.Thr305Ala)

Gene: HELLS (helicase, lymphoid specific; plus strand). Cytogenetic location: 10q23.33.
Variant type: single nucleotide variant.
Coding change: c.913A>G on transcript NM_018063.5 (MANE Select); coding-DNA position 913, A replaced by G.
Protein change: p.Thr305Ala; replaces threonine 305 with alanine.
Molecular consequence: missense variant. On other transcripts: 5 prime UTR variant (2).
Genome position (GRCh38, 1-based): chr10:94,576,686, A>G. VCF-style: chr10-94576686-A-G. GRCh37 (hg19) VCF-style: chr10-96336443-A-G.
Other names: c.913A>G, p.Thr305Ala (NM_001289067.2, NM_001289069.2, NM_001289070.2 and 1 more transcripts); c.865A>G, p.Thr289Ala (NM_001289068.2); c.541A>G, p.Thr181Ala (NM_001289071.2); c.499A>G, p.Thr167Ala (NM_001289073.2); c.-90A>G (NM_001289074.2); c.-109A>G (NM_001289075.2); short protein forms T167A, T181A, T289A, T305A.
Identifiers: ClinVar variation 739088 (VCV000739088.14), dbSNP rs200482346, ClinGen allele CA5615379.
Genomic context (GRCh38, chr10:94,576,686, plus strand): 5'-CTTAAGTCTGATAAAAATCAATATAAAATTTTTCAGATCCCTACAATGTTATATCATGGA[A>G]CCCAGGAGGAACGTCAAAAATTGGTAAGAAATATTTACAAACGGAAAGGGACTTTGCAGA-3'
Protein context (NP_060533.2, residues 295-315): PDIPTMLYHG[Thr305Ala]QEERQKLVRN

ClinVar aggregate classification (germline): Likely benign. Review status: criteria provided, multiple submitters, no conflicts (2 of 4 stars). 4 submissions from 4 submitters: Likely benign (3). 1 of the submissions does not count toward it. Last evaluated 2026-02-01.

Conditions:
Immunodeficiency-centromeric instability-facial anomalies syndrome 4 (ICF4). Identifiers: Orphanet 2268, MedGen C4310798, MONDO:0014829, OMIM 616911.
HELLS-related disorder. Also called: HELLS-related condition.

Allele frequency attached by ClinVar (database versions not stated): gnomAD 0.00018; TOPMed 0.00021; ESP Exome Variant Server 0.00023; gnomAD exomes 0.00037.
gnomAD v4.1: 591 of 1,606,366 alleles (0.037%); highest among the groups gnomAD compares: Middle Eastern, 0.38%; 7 homozygotes.

Submissions (4):

Labcorp Genetics (formerly Invitae), Labcorp
Classification: Likely benign. Last evaluated: 2026-02-01. Review status: criteria provided, single submitter. Criteria: Invitae Variant Classification Sherloc (09022015). Collection method: clinical testing. Allele origin: germline.

Blueprint Genetics
Classification: Likely benign. Last evaluated: 2024-10-29. Review status: criteria provided, single submitter. Criteria: ACMG Guidelines, 2015. Collection method: clinical testing. Allele origin: germline.

ARUP Laboratories, Molecular Genetics and Genomics, ARUP Laboratories
Classification: Likely benign for Immunodeficiency-centromeric instability-facial anomalies syndrome 4. Last evaluated: 2023-10-09. Review status: criteria provided, single submitter. Criteria: ARUP Molecular Germline Variant Investigation Process 2024. Collection method: clinical testing. Allele origin: germline.

PreventionGenetics, part of Exact Sciences
Classification: Likely benign for HELLS-related condition. Last evaluated: 2023-02-20. Review status: no assertion criteria provided. Collection method: clinical testing. Allele origin: germline. Not counted in ClinVar's aggregate classification.
Comment: This variant is classified as likely benign based on ACMG/AMP sequence variant interpretation guidelines (Richards et al. 2015 PMID: 25741868, with internal and published modifications).